The following is an entry in ClinVar:

ClinVar aggregate classification (germline): Uncertain significance (1 of 4 stars; one submission).

gnomAD v4.1: 2 of 1,612,906 alleles (0.00012%); highest among the groups gnomAD compares: Non-Finnish European, 0.00017%; no homozygotes.

Submission:

Labcorp Genetics (formerly Invitae), Labcorp
Classification: Uncertain significance. Last evaluated: 2024-08-01. Review status: criteria provided, single submitter. Criteria: Invitae Variant Classification Sherloc (09022015). Collection method: clinical testing. Allele origin: germline.
Comment: This sequence change replaces glycine, which is neutral and non-polar, with cysteine, which is neutral and slightly polar, at codon 48 of the TOPORS protein (p.Gly48Cys). This variant is not present in population databases (gnomAD no frequency). This variant has not been reported in the literature in individuals affected with TOPORS-related conditions. An algorithm developed to predict the effect of missense changes on protein structure and function (PolyPhen-2) suggests that this variant is likely to be disruptive. In summary, the available evidence is currently insufficient to determine the role of this variant in disease. Therefore, it has been classified as a Variant of Uncertain Significance.

NM_005802.5(TOPORS):c.142G>T (p.Gly48Cys)

Gene: TOPORS (TOP1 binding arginine/serine rich protein, E3 ubiquitin ligase; minus strand). Cytogenetic location: 9p21.1.
Variant type: single nucleotide variant.
Coding change: c.142G>T on transcript NM_005802.5 (MANE Select); coding-DNA position 142, G replaced by T.
Protein change: p.Gly48Cys; replaces glycine 48 with cysteine.
Molecular consequence: missense variant. On other transcripts: intron variant (1).
Genome position (GRCh38, 1-based): chr9:32,550,830, C>A on the plus strand (G>T on the coding strand, the complement: TOPORS is on the minus strand). VCF-style: chr9-32550830-C-A. GRCh37 (hg19) VCF-style: chr9-32550828-C-A.
Other names: c.3+1604G>T (NM_001195622.2); short protein forms G48C.
Identifiers: ClinVar variation 3696848 (VCV003696848.2).